The following is an entry in ClinVar:

NM_053025.4(MYLK):c.4402G>A (p.Glu1468Lys)

Gene: MYLK (myosin light chain kinase; minus strand). Cytogenetic location: 3q21.1.
Variant type: single nucleotide variant.
Coding change: c.4402G>A on transcript NM_053025.4 (MANE Select); coding-DNA position 4402, G replaced by A.
Protein change: p.Glu1468Lys; replaces glutamic acid 1468 with lysine.
Molecular consequence: missense variant.
Genome position (GRCh38, 1-based): chr3:123,648,984, C>T on the plus strand (G>A on the coding strand, the complement: MYLK is on the minus strand). VCF-style: chr3-123648984-C-T. GRCh37 (hg19) VCF-style: chr3-123367831-C-T.
Other names: c.3874G>A, p.Glu1292Lys (NM_001321309.2); c.4195G>A, p.Glu1399Lys (NM_053026.4, NM_053028.4); c.4402G>A, p.Glu1468Lys (NM_053027.4); short protein forms E1399K, E1468K, E1292K.
Identifiers: ClinVar variation 3705278 (VCV003705278.2).

ClinVar aggregate classification (germline): Uncertain significance (1 of 4 stars; one submission).

Conditions:
Aortic aneurysm, familial thoracic 7 (AAT7). Also called: AORTIC DISSECTION, FAMILIAL, WITH OR WITHOUT AORTIC ANEURYSM. Identifiers: MedGen C3151077, MONDO:0013418, OMIM 613780.

Submission:

Labcorp Genetics (formerly Invitae), Labcorp
Classification: Uncertain significance for Aortic aneurysm, familial thoracic 7. Last evaluated: 2024-11-02. Review status: criteria provided, single submitter. Criteria: Invitae Variant Classification Sherloc (09022015). Collection method: clinical testing. Allele origin: germline.
Comment: This sequence change replaces glutamic acid, which is acidic and polar, with lysine, which is basic and polar, at codon 1468 of the MYLK protein (p.Glu1468Lys). This variant is not present in population databases (gnomAD no frequency). This variant has not been reported in the literature in individuals affected with MYLK-related conditions. Invitae Evidence Modeling of protein sequence and biophysical properties (such as structural, functional, and spatial information, amino acid conservation, physicochemical variation, residue mobility, and thermodynamic stability) indicates that this missense variant is not expected to disrupt MYLK protein function with a negative predictive value of 80%. In summary, the available evidence is currently insufficient to determine the role of this variant in disease. Therefore, it has been classified as a Variant of Uncertain Significance.